The following is an entry in ClinVar:

ClinVar aggregate classification (germline): Uncertain significance (1 of 4 stars; one submission).

Conditions:
Cardiovascular phenotype. Identifiers: MedGen CN230736.

gnomAD v4.1: 2 of 1,593,668 alleles (0.00013%); highest among the groups gnomAD compares: Non-Finnish European, 0.00017%; no homozygotes.

Submission:

Ambry Genetics
Classification: Uncertain significance for Cardiovascular phenotype. Last evaluated: 2025-12-16. Review status: criteria provided, single submitter. Criteria: Ambry Variant Classification Scheme 2023. Collection method: clinical testing. Allele origin: germline.
Comment: The p.G307E variant (also known as c.920G>A), located in coding exon 2 of the TNXB gene, results from a G to A substitution at nucleotide position 920. The glycine at codon 307 is replaced by glutamic acid, an amino acid with similar properties. This amino acid position is conserved. In addition, this alteration is predicted to be tolerated by in silico analysis. Based on the available evidence, the clinical significance of this variant remains unclear.

NM_001365276.2(TNXB):c.920G>A (p.Gly307Glu)

Gene: TNXB (tenascin XB; minus strand). Cytogenetic location: 6p21.33.
Variant type: single nucleotide variant.
Coding change: c.920G>A on transcript NM_001365276.2 (MANE Select); coding-DNA position 920, G replaced by A.
Protein change: p.Gly307Glu; replaces glycine 307 with glutamic acid.
Molecular consequence: missense variant.
Genome position (GRCh38, 1-based): chr6:32,096,933, C>T on the plus strand (G>A on the coding strand, the complement: TNXB is on the minus strand). VCF-style: chr6-32096933-C-T. GRCh37 (hg19) VCF-style: chr6-32064710-C-T.
Other names: c.920G>A, p.Gly307Glu (NM_001428335.1, NM_019105.8); short protein forms G307E.
Identifiers: ClinVar variation 4842858 (VCV004842858.1).
Genomic context (GRCh38, chr6:32,096,933, plus strand): 5'-ACGCAGCGCCCGTCCTTGCAGCGTCCCCGCTGGCTGCAGCCCCGAGGGCAGCTCCTCACC[C>T]CACAGTCCTCGCCAGTGTAGCCGGGGTTACACACGCAGCGCCCATTCTCACAGCGCCCCC-3'
Protein context (NP_001352205.1, residues 297-317): CNPGYTGEDC[Gly307Glu]VRSCPRGCSQ